The following is an entry in ClinVar:

NM_020937.4(FANCM):c.1397-1G>T

Gene: FANCM (FA complementation group M; plus strand). Cytogenetic location: 14q21.2.
Variant type: single nucleotide variant.
Coding change: c.1397-1G>T on transcript NM_020937.4 (MANE Select); the canonical splice acceptor site of the intron before coding-DNA position 1397, G replaced by T.
Molecular consequence: splice acceptor variant.
Genome position (GRCh38, 1-based): chr14:45,159,095, G>T. VCF-style: chr14-45159095-G-T. GRCh37 (hg19) VCF-style: chr14-45628298-G-T.
Other names: c.1319-1G>T (NM_001308133.2); c.1397-1G>T (NM_001308134.2).
Identifiers: ClinVar variation 1465105 (VCV001465105.8), dbSNP rs1887394029, ClinGen allele CA389592354.

ClinVar aggregate classification (germline): Likely pathogenic (1 of 4 stars; one submission).

Conditions:
Fanconi anemia (FA). Also called: Fanconi's anemia. Identifiers: Orphanet 84, MedGen C0015625, MeSH D005199, MONDO:0019391.

Allele frequency attached by ClinVar (database versions not stated): gnomAD exomes below 0.00001; TOPMed below 0.00001; gnomAD 0.00001.
gnomAD v4.1: 5 of 1,533,942 alleles (0.00033%); highest among the groups gnomAD compares: African/African-American, 0.0014%; no homozygotes.

Submission:

Labcorp Genetics (formerly Invitae), Labcorp
Classification: Likely pathogenic for Fanconi anemia. Last evaluated: 2021-06-23. Review status: criteria provided, single submitter. Criteria: Invitae Variant Classification Sherloc (09022015). Collection method: clinical testing. Allele origin: germline.
Comment: In summary, the currently available evidence indicates that the variant is pathogenic, but additional data are needed to prove that conclusively. Therefore, this variant has been classified as Likely Pathogenic. Algorithms developed to predict the effect of sequence changes on RNA splicing suggest that this variant may disrupt the consensus splice site, but this prediction has not been confirmed by published transcriptional studies. This variant has not been reported in the literature in individuals with FANCM-related conditions. This variant is not present in population databases (ExAC no frequency). This sequence change affects an acceptor splice site in intron 8 of the FANCM gene. It is expected to disrupt RNA splicing. Variants that disrupt the donor or acceptor splice site typically lead to a loss of protein function (PMID: 16199547), and loss-of-function variants in FANCM are known to be pathogenic (PMID: 29895858, 30075111).

Literature cited by the submitters: PubMed 16199547; PubMed 29895858; PubMed 30075111.